The following is an entry in ClinVar:

NM_000080.4(CHRNE):c.421C>A (p.Pro141Thr)

Genes: C17orf107 (chromosome 17 open reading frame 107; plus strand), CHRNE (cholinergic receptor nicotinic epsilon subunit; minus strand). Cytogenetic location: 17p13.2.
Variant type: single nucleotide variant.
Coding change: c.421C>A on transcript NM_000080.4 (MANE Select); coding-DNA position 421, C replaced by A.
Protein change: p.Pro141Thr; replaces proline 141 with threonine.
Molecular consequence: missense variant. On other transcripts: 3 prime UTR variant (1).
Genome position (GRCh38, 1-based): chr17:4,902,011, G>T on the plus strand (C>A on the coding strand, the complement: CHRNE is on the minus strand). VCF-style: chr17-4902011-G-T. GRCh37 (hg19) VCF-style: chr17-4805306-G-T.
Other names: c.*1478G>T (NM_001145536.2); short protein forms P141T.
Identifiers: ClinVar variation 135656 (VCV000135656.14), dbSNP rs483353045, ClinGen allele CA163109.

ClinVar aggregate classification (germline): Conflicting classifications of pathogenicity. Review status: criteria provided, conflicting classifications (1 of 4 stars). 6 submissions from 6 submitters: Pathogenic (1); Likely pathogenic (3); Uncertain significance (1). 1 of the submissions does not count toward it. Last evaluated 2025-02-11.

Conditions:
Congenital myasthenic syndrome (CMS). Also called: Congenital Myasthenic Syndromes. Identifiers: Orphanet 590, MedGen C0751882, MeSH D020294, MONDO:0018940.
Congenital myasthenic syndrome 4A. Also called: MYASTHENIC SYNDROME, CONGENITAL, 4A, SLOW-CHANNEL, AUTOSOMAL RECESSIVE; Myasthenic syndrome, congenital, 4a, slow-channel; CONGENITAL MYASTHENIC SYNDROME TYPE Ia1. Identifiers: Orphanet 590, MedGen C4225413, MONDO:0011600, OMIM 605809.
Myasthenic syndrome, congenital, 1B, fast-channel. Also called: Fast-Channel Congenital Myasthenia Syndrome. Identifiers: Orphanet 590, MedGen C4225405, MONDO:0012156, OMIM 608930.

Submissions (6):

Myriad Genetics, Inc.
Classification: Likely pathogenic for Congenital myasthenic syndrome. Last evaluated: 2025-02-11. Review status: criteria provided, single submitter. Criteria: Myriad Autosomal Dominant, Autosomal Recessive and X-Linked Classification Criteria (2023). Collection method: clinical testing. Allele origin: unknown.
Comment: NM_000080.3(CHRNE):c.421C>A(P141T) is a missense variant classified as likely pathogenic in the context of congenital myasthenic syndrome, CHRNE-related. P141T has been observed in cases with relevant disease (PMID: 36891870). Relevant functional assessments of this variant are available in the literature (PMID: 36891870). Internal structural analysis of the variant is supportive of pathogenicity. P141T has not been observed in referenced population frequency databases. In summary, NM_000080.3(CHRNE):c.421C>A(P141T) is a missense variant that has both functional and internal structural support for pathogenicity and has been observed more frequently in cases with the relevant disease than in healthy populations. Please note: this variant was assessed in the context of healthy population screening.

Natera, Inc.
Classification: Pathogenic for Congenital myasthenic syndrome. Last evaluated: 2024-11-19. Review status: criteria provided, single submitter. Criteria: Natera Variant Classification Schema (03/2026). Collection method: clinical testing. Allele origin: germline.
Comment: The c.421C>A variant in CHRNE is a missense variant predicted to cause substitution of proline to threonine at amino acid 141. This variant is rare in the general population with a frequency below the threshold expected for the associated phenotype(s). This variant has been observed in one or more individuals affected with the associated recessive disease, as either homozygous or compound heterozygous with a second variant (PMID: 36891870). Additionally, this variant has been observed to segregate in affected family members (PMID: 36891870). A different variant at the same position has been determined to be Pathogenic or Likely Pathogenic. Computational prediction algorithms indicate this variant is likely to affect gene or protein function. Given the available evidence, this variant is classified as Pathogenic.

Baylor Genetics
Classification: Likely pathogenic for Congenital myasthenic syndrome 4A. Last evaluated: 2024-02-29. Review status: criteria provided, single submitter. Criteria: ACMG Guidelines, 2015. Collection method: clinical testing. Allele origin: unknown.

Labcorp Genetics (formerly Invitae), Labcorp
Classification: Likely pathogenic for Congenital myasthenic syndrome 4A. Last evaluated: 2022-11-29. Review status: criteria provided, single submitter. Criteria: Invitae Variant Classification Sherloc (09022015). Collection method: clinical testing. Allele origin: germline.
Comment: In summary, the currently available evidence indicates that the variant is pathogenic, but additional data are needed to prove that conclusively. Therefore, this variant has been classified as Likely Pathogenic. This variant disrupts the p.Pro141 amino acid residue in CHRNE. Other variant(s) that disrupt this residue have been determined to be pathogenic (PMID: 8755487, 17878953). This suggests that this residue is clinically significant, and that variants that disrupt this residue are likely to be disease-causing. Advanced modeling of protein sequence and biophysical properties (such as structural, functional, and spatial information, amino acid conservation, physicochemical variation, residue mobility, and thermodynamic stability) performed at Invitae indicates that this missense variant is expected to disrupt CHRNE protein function. ClinVar contains an entry for this variant (Variation ID: 135656). This missense change has been observed in individual(s) with autosomal recessive congenital myasthenic gravis (Invitae). This variant is not present in population databases (gnomAD no frequency). This sequence change replaces proline, which is neutral and non-polar, with threonine, which is neutral and polar, at codon 141 of the CHRNE protein (p.Pro141Thr).

Athena Diagnostics
Classification: Uncertain significance. Last evaluated: 2019-03-26. Review status: criteria provided, single submitter. Criteria: Athena Diagnostics Criteria. Collection method: clinical testing. Allele origin: germline.

Mayo Muscle Lab,  Mayo Clinic
Classification: Pathogenic for Fast-Channel Congenital Myasthenia Syndrome. Last evaluated: 2000-08-01. Review status: no assertion criteria provided. Collection method: research. Allele origin: germline. Inheritance: Autosomal recessive inheritance. Affected: yes. Not counted in ClinVar's aggregate classification.

Literature cited by the submitters: PubMed 36891870 (cited by Myriad Genetics, Inc. and Natera, Inc.); PubMed 8755487 (cited by Labcorp Genetics (formerly Invitae), Labcorp); PubMed 17878953 (cited by Labcorp Genetics (formerly Invitae), Labcorp).